The following is an entry in ClinVar:

ClinVar aggregate classification (germline): Uncertain significance (1 of 4 stars; one submission).

Conditions:
Autosomal dominant childhood-onset proximal spinal muscular atrophy with contractures (SMALED2A). Also called: SPINAL MUSCULAR ATROPHY, LOWER EXTREMITY-PREDOMINANT, 2A, CHILDHOOD ONSET, AUTOSOMAL DOMINANT; Spinal muscular atrophy, lower extremity-predominant, 2A, autosomal dominant. Identifiers: Orphanet 363447, Orphanet 363454, MedGen C4747715, MONDO:0014121, OMIM 615290.

Submission:

Labcorp Genetics (formerly Invitae), Labcorp
Classification: Uncertain significance for Autosomal dominant childhood-onset proximal spinal muscular atrophy with contractures. Last evaluated: 2022-02-07. Review status: criteria provided, single submitter. Criteria: Invitae Variant Classification Sherloc (09022015). Collection method: clinical testing. Allele origin: germline.
Comment: In summary, the available evidence is currently insufficient to determine the role of this variant in disease. Therefore, it has been classified as a Variant of Uncertain Significance. Advanced modeling of protein sequence and biophysical properties (such as structural, functional, and spatial information, amino acid conservation, physicochemical variation, residue mobility, and thermodynamic stability) performed at Invitae indicates that this missense variant is expected to disrupt BICD2 protein function. This missense change has been observed in at least one individual who was not affected with BICD2-related conditions (Invitae). This variant has not been reported in the literature in individuals affected with BICD2-related conditions. This variant is not present in population databases (gnomAD no frequency). This sequence change replaces leucine, which is neutral and non-polar, with proline, which is neutral and non-polar, at codon 506 of the BICD2 protein (p.Leu506Pro).

NM_001003800.2(BICD2):c.1517T>C (p.Leu506Pro)

Gene: BICD2 (BICD cargo adaptor 2; minus strand). Cytogenetic location: 9q22.31.
Variant type: single nucleotide variant.
Coding change: c.1517T>C on transcript NM_001003800.2 (MANE Select); coding-DNA position 1517, T replaced by C.
Protein change: p.Leu506Pro; replaces leucine 506 with proline.
Molecular consequence: missense variant.
Genome position (GRCh38, 1-based): chr9:92,719,128, A>G on the plus strand (T>C on the coding strand, the complement: BICD2 is on the minus strand). VCF-style: chr9-92719128-A-G. GRCh37 (hg19) VCF-style: chr9-95481410-A-G.
Other names: c.1517T>C, p.Leu506Pro (NM_015250.4); short protein forms L506P.
Identifiers: ClinVar variation 1954176 (VCV001954176.5), dbSNP rs2490445547, ClinGen allele CA374037592.